The following is an entry in ClinVar:

ClinVar aggregate classification (germline): Uncertain significance (1 of 4 stars; one submission).

Conditions:
Hereditary sensory and autonomic neuropathy type 6. Also called: HSAN VI; Neuropathy, hereditary sensory and autonomic, type VI. Identifiers: Orphanet 314381, MedGen C3539003, MONDO:0013839, OMIM 614653.
Epidermolysis bullosa simplex 3, localized or generalized intermediate, with BP230 deficiency (EBS3). Also called: Epidermolysis bullosa simplex due to BP230 deficiency; Epidermolysis bullosa simplex, autosomal recessive 2. Identifiers: Orphanet 412181, MedGen C3809470, MONDO:0014180, OMIM 615425.

gnomAD v4.1: 1 of 1,613,792 alleles (0.000062%); highest among the groups gnomAD compares: Non-Finnish European, 0.000085%; no homozygotes.

Submission:

Labcorp Genetics (formerly Invitae), Labcorp
Classification: Uncertain significance for Epidermolysis bullosa simplex 3, localized or generalized intermediate, with BP230 deficiency; Hereditary sensory and autonomic neuropathy type 6. Last evaluated: 2024-05-22. Review status: criteria provided, single submitter. Criteria: Invitae Variant Classification Sherloc (09022015). Collection method: clinical testing. Allele origin: germline.
Comment: The DST gene has multiple clinically relevant transcripts. This variant occurs in alternate transcript NM_015548.4, and corresponds to NM_001723.5:c.*105777A>G in the primary transcript. This sequence change replaces aspartic acid, which is acidic and polar, with glycine, which is neutral and non-polar, at codon 3682 of the DST protein (p.Asp3682Gly). This variant is not present in population databases (gnomAD no frequency). This variant has not been reported in the literature in individuals affected with DST-related conditions. Experimental studies and prediction algorithms are not available or were not evaluated, and the functional significance of this variant is currently unknown. In summary, the available evidence is currently insufficient to determine the role of this variant in disease. Therefore, it has been classified as a Variant of Uncertain Significance.

NM_001374736.1(DST):c.18914A>G (p.Asp6305Gly)

Gene: DST (dystonin; minus strand). Cytogenetic location: 6p12.1.
Variant type: single nucleotide variant.
Coding change: c.18914A>G on transcript NM_001374736.1 (MANE Select); coding-DNA position 18914, A replaced by G.
Protein change: p.Asp6305Gly; replaces aspartic acid 6305 with glycine.
Molecular consequence: missense variant.
Genome position (GRCh38, 1-based): chr6:56,509,740, T>C on the plus strand (A>G on the coding strand, the complement: DST is on the minus strand). VCF-style: chr6-56509740-T-C. GRCh37 (hg19) VCF-style: chr6-56374538-T-C.
Other names: c.12557A>G, p.Asp4186Gly (NM_001144769.5); c.12143A>G, p.Asp4048Gly (NM_001144770.2); c.18914A>G, p.Asp6305Gly (NM_001374722.1); c.17954A>G, p.Asp5985Gly (NM_001374729.1); c.11696A>G, p.Asp3899Gly (NM_001374730.1); c.18941A>G, p.Asp6314Gly (NM_001374734.1); c.12023A>G, p.Asp4008Gly (NM_001386100.1, NM_183380.4); c.11045A>G, p.Asp3682Gly (NM_015548.5); short protein forms D3682G, D3899G, D4008G, D4048G, D4186G, D5985G, D6305G, D6314G.
Identifiers: ClinVar variation 3755229 (VCV003755229.2).
Genomic context (GRCh38, chr6:56,509,740, plus strand): 5'-GCAATCATTTCCTCTCCCCTCTGTTTAAGAGTTTCATACAACGGCTGTAGCTTTTCCATG[T>C]CTACTGACACATTCTTATTTTCACTGATCTGTTCCTTGATCTTCTCAACCTCTGCAGAGA-3'
Protein context (NP_001361665.1, residues 6295-6315): QISENKNVSV[Asp6305Gly]MEKLQPLYET